The following is an entry in ClinVar:

NM_004963.4(GUCY2C):c.1590G>C (p.Lys530Asn)

Gene: GUCY2C (guanylate cyclase 2C; minus strand). Cytogenetic location: 12p12.3.
Variant type: single nucleotide variant.
Coding change: c.1590G>C on transcript NM_004963.4 (MANE Select); coding-DNA position 1590, G replaced by C.
Protein change: p.Lys530Asn; replaces lysine 530 with asparagine.
Molecular consequence: missense variant.
Genome position (GRCh38, 1-based): chr12:14,651,974, C>G on the plus strand (G>C on the coding strand, the complement: GUCY2C is on the minus strand). VCF-style: chr12-14651974-C-G. GRCh37 (hg19) VCF-style: chr12-14804908-C-G.
Other names: short protein forms K530N.
Identifiers: ClinVar variation 5017696 (VCV005017696.1).
Genomic context (GRCh38, chr12:14,651,974, plus strand): 5'-TGAAGTGAAGTTATTTCTCAAGGGTTTGAAGTAAGGGCTACATACCTTGTTCAATTCTAT[C>G]TTCTGTTTTTCAGTGAAATTACCATCATTGTGCTTGAGATCTTTGAGAATCACTCGCTGC-3'
Protein context (NP_004954.2, residues 520-540): HNDGNFTEKQ[Lys530Asn]IELNKLLQID

ClinVar aggregate classification (germline): Uncertain significance (1 of 4 stars; one submission).

Submission:

GeneDx
Classification: Uncertain significance. Last evaluated: 2026-03-27. Review status: criteria provided, single submitter. Criteria: GeneDx Variant Classification Process June 2021. Collection method: clinical testing. Allele origin: germline.
Comment: Not observed at significant frequency in large population cohorts (gnomAD); In silico analysis suggests that this missense variant does not alter protein structure/function; Has not been previously published as pathogenic or benign to our knowledge.